The following is an entry in ClinVar:

ClinVar aggregate classification (germline): Uncertain significance (1 of 4 stars; one submission).

Conditions:
Arrhythmogenic right ventricular dysplasia 8 (ARVD8). Also called: ARRHYTHMOGENIC RIGHT VENTRICULAR DYSPLASIA, FAMILIAL, 8; Arrhythmogenic Right Ventricular Dysplasia/Cardiomyopathy 8; ARRHYTHMOGENIC RIGHT VENTRICULAR CARDIOMYOPATHY 8. Identifiers: MedGen C1843896, MONDO:0011831, OMIM 607450.
Arrhythmogenic cardiomyopathy with wooly hair and keratoderma. Also called: Carvajal syndrome; Dilated cardiomyopathy with woolly hair and keratoderma; PALMOPLANTAR KERATODERMA WITH LEFT VENTRICULAR CARDIOMYOPATHY AND WOOLLY HAIR; Arrhythmogenic cardiomyopathy with woolly hair and keratoderma. Identifiers: Orphanet 65282, MedGen C1854063, MONDO:0011581, OMIM 605676.

Submission:

Labcorp Genetics (formerly Invitae), Labcorp
Classification: Uncertain significance for Arrhythmogenic cardiomyopathy with wooly hair and keratoderma; Arrhythmogenic right ventricular dysplasia 8. Last evaluated: 2021-12-02. Review status: criteria provided, single submitter. Criteria: Invitae Variant Classification Sherloc (09022015). Collection method: clinical testing. Allele origin: germline.
Comment: In summary, the available evidence is currently insufficient to determine the role of this variant in disease. Therefore, it has been classified as a Variant of Uncertain Significance. Algorithms developed to predict the effect of missense changes on protein structure and function (SIFT, PolyPhen-2, Align-GVGD) all suggest that this variant is likely to be disruptive. This variant has not been reported in the literature in individuals affected with DSP-related conditions. This variant is not present in population databases (gnomAD no frequency). This sequence change replaces leucine, which is neutral and non-polar, with proline, which is neutral and non-polar, at codon 2162 of the DSP protein (p.Leu2162Pro).

NM_004415.4(DSP):c.6485T>C (p.Leu2162Pro)

Gene: DSP (desmoplakin; plus strand). Cytogenetic location: 6p24.3.
Variant type: single nucleotide variant.
Coding change: c.6485T>C on transcript NM_004415.4 (MANE Select); coding-DNA position 6485, T replaced by C.
Protein change: p.Leu2162Pro; replaces leucine 2162 with proline.
Molecular consequence: missense variant.
Genome position (GRCh38, 1-based): chr6:7,583,747, T>C. VCF-style: chr6-7583747-T-C. GRCh37 (hg19) VCF-style: chr6-7583980-T-C.
Other names: c.4688T>C, p.Leu1563Pro (NM_001008844.3); c.5156T>C, p.Leu1719Pro (NM_001319034.2); short protein forms L2162P, L1563P, L1719P.
Identifiers: ClinVar variation 1974778 (VCV001974778.5), dbSNP rs2533941661, ClinGen allele CA362690890.